The following is an entry in ClinVar:

NM_003114.5(SPAG1):c.305G>A (p.Trp102Ter)

Gene: SPAG1 (sperm associated antigen 1; plus strand). Cytogenetic location: 8q22.2.
Variant type: single nucleotide variant.
Coding change: c.305G>A on transcript NM_003114.5 (MANE Select); coding-DNA position 305, G replaced by A.
Protein change: p.Trp102Ter; replaces tryptophan 102 with a stop codon.
Molecular consequence: nonsense.
Genome position (GRCh38, 1-based): chr8:100,177,820, G>A. VCF-style: chr8-100177820-G-A. GRCh37 (hg19) VCF-style: chr8-101190048-G-A.
Other names: c.305G>A, p.Trp102Ter (NM_001374321.1, NM_172218.3); short protein forms W102*.
Identifiers: ClinVar variation 3705933 (VCV003705933.2).

ClinVar aggregate classification (germline): Pathogenic (1 of 4 stars; one submission).

Conditions:
Primary ciliary dyskinesia 28. Also called: CILIARY DYSKINESIA, PRIMARY, 28, WITH OR WITHOUT SITUS INVERSUS. Identifiers: Orphanet 244, MedGen C3809706, MONDO:0014216, OMIM 615505.

gnomAD v4.1: 4 of 1,484,130 alleles (0.00027%); highest among the groups gnomAD compares: Non-Finnish European, 0.00038%; no homozygotes.

Submission:

Labcorp Genetics (formerly Invitae), Labcorp
Classification: Pathogenic for Primary ciliary dyskinesia 28. Last evaluated: 2024-12-13. Review status: criteria provided, single submitter. Criteria: Invitae Variant Classification Sherloc (09022015). Collection method: clinical testing. Allele origin: germline.
Comment: This sequence change creates a premature translational stop signal (p.Trp102*) in the SPAG1 gene. It is expected to result in an absent or disrupted protein product. Loss-of-function variants in SPAG1 are known to be pathogenic (PMID: 24055112). This variant is present in population databases (no rsID available, gnomAD 0.002%). This variant has not been reported in the literature in individuals affected with SPAG1-related conditions. For these reasons, this variant has been classified as Pathogenic.

Literature cited by the submitters: PubMed 24055112.